The following is an entry in ClinVar:

ClinVar aggregate classification (germline): Uncertain significance (1 of 4 stars; one submission).

Conditions:
Hereditary cancer-predisposing syndrome. Also called: Tumor predisposition; Hereditary Cancer Syndrome; Hereditary neoplastic syndrome; Neoplastic Syndromes, Hereditary. Identifiers: Orphanet 140162, MedGen C0027672, MeSH D009386, MONDO:0015356.

Submission:

Ambry Genetics
Classification: Uncertain significance for Hereditary cancer-predisposing syndrome. Last evaluated: 2023-08-02. Review status: criteria provided, single submitter. Criteria: Ambry Variant Classification Scheme 2023. Collection method: clinical testing. Allele origin: germline.
Comment: The p.D850V variant (also known as c.2549A>T), located in coding exon 15 of the PTCH1 gene, results from an A to T substitution at nucleotide position 2549. The aspartic acid at codon 850 is replaced by valine, an amino acid with highly dissimilar properties. This amino acid position is well conserved in available vertebrate species. In addition, this alteration is predicted to be deleterious by in silico analysis. Since supporting evidence is limited at this time, the clinical significance of this alteration remains unclear.

NM_000264.5(PTCH1):c.2549A>T (p.Asp850Val)

Genes: PTCH1 (patched 1; minus strand), LOC100507346 (uncharacterized LOC100507346; plus strand). Cytogenetic location: 9q22.32.
Variant type: single nucleotide variant.
Coding change: c.2549A>T on transcript NM_000264.5 (MANE Select); coding-DNA position 2549, A replaced by T.
Protein change: p.Asp850Val; replaces aspartic acid 850 with valine.
Molecular consequence: missense variant. On other transcripts: non-coding transcript variant (2).
Genome position (GRCh38, 1-based): chr9:95,467,127, T>A on the plus strand (A>T on the coding strand, the complement: PTCH1 is on the minus strand). VCF-style: chr9-95467127-T-A. GRCh37 (hg19) VCF-style: chr9-98229409-T-A.
Other names: c.2351A>T, p.Asp784Val (NM_001083602.3); c.2546A>T, p.Asp849Val (NM_001083603.3); c.2096A>T, p.Asp699Val (NM_001083604.3, NM_001083605.3, NM_001083606.3 and 1 more transcripts); c.2393A>T, p.Asp798Val (NM_001354918.2); short protein forms D798V, D699V, D784V, D849V, D850V.
Identifiers: ClinVar variation 2626232 (VCV002626232.2), dbSNP rs2117945943, ClinGen allele CA374113704.